The following is an entry in ClinVar:

NM_030930.4(UNC93B1):c.1462G>A (p.Gly488Ser)

Gene: UNC93B1 (unc-93B1 regulator of TLR signaling; minus strand). Cytogenetic location: 11q13.2.
Variant type: single nucleotide variant.
Coding change: c.1462G>A on transcript NM_030930.4 (MANE Select); coding-DNA position 1462, G replaced by A.
Protein change: p.Gly488Ser; replaces glycine 488 with serine.
Molecular consequence: missense variant.
Genome position (GRCh38, 1-based): chr11:67,993,696, C>T on the plus strand (G>A on the coding strand, the complement: UNC93B1 is on the minus strand). VCF-style: chr11-67993696-C-T. GRCh37 (hg19) VCF-style: chr11-67761167-C-T.
Other names: short protein forms G488S.
Identifiers: ClinVar variation 2047276 (VCV002047276.1), dbSNP rs1197318542, ClinGen allele CA381568727.

ClinVar aggregate classification (germline): Uncertain significance (1 of 4 stars; one submission).

Conditions:
Encephalopathy, acute, infection-induced (herpes-specific), susceptibility to, 1. Also called: Herpes simplex encephalitis, susceptibility to, 1. Identifiers: Orphanet 1930, MedGen C2750180, MONDO:0024563, OMIM 610551.

Allele frequency attached by ClinVar (database versions not stated): gnomAD exomes 0.00001; TOPMed 0.00001; gnomAD 0.00001.
gnomAD v4.1: 4 of 1,226,736 alleles (0.00033%); highest among the groups gnomAD compares: Non-Finnish European, 0.00046%; no homozygotes.

Submission:

Labcorp Genetics (formerly Invitae), Labcorp
Classification: Uncertain significance for Encephalopathy, acute, infection-induced (herpes-specific), susceptibility to, 1. Last evaluated: 2022-01-17. Review status: criteria provided, single submitter. Criteria: Invitae Variant Classification Sherloc (09022015). Collection method: clinical testing. Allele origin: germline.
Comment: This sequence change replaces glycine, which is neutral and non-polar, with serine, which is neutral and polar, at codon 488 of the UNC93B1 protein (p.Gly488Ser). This variant is present in population databases (no rsID available, gnomAD 0.004%). This variant has not been reported in the literature in individuals affected with UNC93B1-related conditions. Experimental studies and prediction algorithms are not available or were not evaluated, and the functional significance of this variant is currently unknown. In summary, the available evidence is currently insufficient to determine the role of this variant in disease. Therefore, it has been classified as a Variant of Uncertain Significance.